The following is an entry in ClinVar:

NM_000103.4(CYP19A1):c.277G>T (p.Glu93Ter)

Genes: CYP19A1 (cytochrome P450 family 19 subfamily A member 1; minus strand), MIR4713HG (MIR4713 host gene; plus strand), PIRC66 (piwi-interacting RNA cluster 66; plus strand). Cytogenetic location: 15q21.2.
Variant type: single nucleotide variant.
Coding change: c.277G>T on transcript NM_000103.4 (MANE Select); coding-DNA position 277, G replaced by T.
Protein change: p.Glu93Ter; replaces glutamic acid 93 with a stop codon.
Molecular consequence: nonsense.
Genome position (GRCh38, 1-based): chr15:51,236,878, C>A on the plus strand (G>T on the coding strand, the complement: CYP19A1 is on the minus strand). VCF-style: chr15-51236878-C-A. GRCh37 (hg19) VCF-style: chr15-51529075-C-A.
Other names: c.277G>T, p.Glu93Ter (NM_001347248.1, NM_001347249.2, NM_001347250.2 and 7 more transcripts); short protein forms E93*.
Identifiers: ClinVar variation 1070106 (VCV001070106.7), dbSNP rs2141105930, ClinGen allele CA392422244.

ClinVar aggregate classification (germline): Pathogenic (1 of 4 stars; one submission).

Submission:

Labcorp Genetics (formerly Invitae), Labcorp
Classification: Pathogenic. Last evaluated: 2020-07-17. Review status: criteria provided, single submitter. Criteria: Invitae Variant Classification Sherloc (09022015). Collection method: clinical testing. Allele origin: germline.
Comment: For these reasons, this variant has been classified as Pathogenic. Loss-of-function variants in CYP19A1 are known to be pathogenic (PMID: 14602738, 27086564, 27256151). This variant has not been reported in the literature in individuals with CYP19A1-related conditions. This variant is not present in population databases (ExAC no frequency). This sequence change creates a premature translational stop signal (p.Glu93*) in the CYP19A1 gene. It is expected to result in an absent or disrupted protein product.

Literature cited by the submitters: PubMed 14602738; PubMed 27086564; PubMed 27256151.